The following is an entry in ClinVar:

ClinVar aggregate classification (germline): Conflicting classifications of pathogenicity. Review status: criteria provided, conflicting classifications (1 of 4 stars). 2 submissions from 2 submitters: Uncertain significance (1); Likely benign (1). Last evaluated 2023-03-23.

Conditions:
Hereditary cancer-predisposing syndrome. Also called: Tumor predisposition; Hereditary neoplastic syndrome; Neoplastic Syndromes, Hereditary; Hereditary Cancer Syndrome. Identifiers: Orphanet 140162, MedGen C0027672, MeSH D009386, MONDO:0015356.
Hereditary breast ovarian cancer syndrome. Also called: Hereditary breast and ovarian cancer syndrome; Hereditary breast and/or ovarian cancer syndrome; Hereditary breast and ovarian cancer; Breast and ovarian cancer; Hereditary breast and ovarian cancer syndrome (HBOC); BRCA1- and BRCA2-Associated Hereditary Breast and Ovarian Cancer. Identifiers: Orphanet 145, MedGen C0677776, MeSH D061325, MONDO:0003582. Disease mechanism: loss of function.

gnomAD v4.1: 1 of 1,612,856 alleles (0.000062%); highest among the groups gnomAD compares: Non-Finnish European, 0.000085%; no homozygotes.

Submissions (2):

University of Washington Department of Laboratory Medicine, University of Washington
Classification: Likely benign for Hereditary cancer-predisposing syndrome. Last evaluated: 2023-03-23. Review status: criteria provided, single submitter. Criteria: Dines et al. (Genet Med. 2020). Collection method: curation. Allele origin: germline.
Comment: Missense variant in a coldspot region where missense variants are very unlikely to be pathogenic (PMID:31911673).

BRCA2 exon 11 coldspot. Reclassification based on statistical prior probability.

Labcorp Genetics (formerly Invitae), Labcorp
Classification: Uncertain significance for Hereditary breast ovarian cancer syndrome. Last evaluated: 2021-11-23. Review status: criteria provided, single submitter. Criteria: Invitae Variant Classification Sherloc (09022015). Collection method: clinical testing. Allele origin: germline.
Comment: This sequence change replaces serine, which is neutral and polar, with alanine, which is neutral and non-polar, at codon 2067 of the BRCA2 protein (p.Ser2067Ala). In summary, the available evidence is currently insufficient to determine the role of this variant in disease. Therefore, it has been classified as a Variant of Uncertain Significance. Advanced modeling of protein sequence and biophysical properties (such as structural, functional, and spatial information, amino acid conservation, physicochemical variation, residue mobility, and thermodynamic stability) performed at Invitae indicates that this missense variant is not expected to disrupt BRCA2 protein function. This variant has not been reported in the literature in individuals affected with BRCA2-related conditions. This variant is not present in population databases (gnomAD no frequency).

NM_000059.4(BRCA2):c.6199T>G (p.Ser2067Ala)

Gene: BRCA2 (BRCA2 DNA repair associated; plus strand). Cytogenetic location: 13q13.1.
Variant type: single nucleotide variant.
Coding change: c.6199T>G on transcript NM_000059.4 (MANE Select); coding-DNA position 6199, T replaced by G.
Protein change: p.Ser2067Ala; replaces serine 2067 with alanine.
Molecular consequence: missense variant.
Genome position (GRCh38, 1-based): chr13:32,340,554, T>G. VCF-style: chr13-32340554-T-G. GRCh37 (hg19) VCF-style: chr13-32914691-T-G.
Other names: short protein forms S2067A.
Identifiers: ClinVar variation 1427202 (VCV001427202.7), dbSNP rs143806921, ClinGen allele CA387788832.